The following is an entry in ClinVar:

ClinVar aggregate classification (germline): Uncertain significance (1 of 4 stars; one submission).

Submission:

Labcorp Genetics (formerly Invitae), Labcorp
Classification: Uncertain significance. Last evaluated: 2022-07-25. Review status: criteria provided, single submitter. Criteria: Invitae Variant Classification Sherloc (09022015). Collection method: clinical testing. Allele origin: germline.
Comment: This variant, c.3600_3601delinsCT, is a complex sequence change that results in the deletion of 2 and insertion of 2 amino acid(s) in the SORL1 protein (p.Glu1200_Ala1201delinsAspSer). In summary, the available evidence is currently insufficient to determine the role of this variant in disease. Therefore, it has been classified as a Variant of Uncertain Significance. Experimental studies and prediction algorithms are not available or were not evaluated, and the functional significance of this variant is currently unknown. This variant has not been reported in the literature in individuals affected with SORL1-related conditions. Information on the frequency of this variant in the gnomAD database is not available, as this variant may be reported differently in the database.

NM_003105.6(SORL1):c.3600_3601delinsCT (p.Glu1200_Ala1201delinsAspSer)

Gene: SORL1 (sortilin related receptor 1; plus strand). Cytogenetic location: 11q24.1.
Variant type: Indel.
Coding change: c.3600_3601delinsCT on transcript NM_003105.6 (MANE Select); coding-DNA positions 3600 to 3601, GG replaced by CT.
Protein change: p.Glu1200_Ala1201delinsAspSer.
Molecular consequence: missense variant.
Genome position (GRCh38, 1-based): chr11:121,583,477-121,583,478, GG replaced by CT. VCF-style: chr11-121583477-GG-CT. GRCh37 (hg19) VCF-style: chr11-121454186-GG-CT.
Identifiers: ClinVar variation 2419576 (VCV002419576.6), dbSNP rs2496938267, ClinGen allele CA2580083720.